The following is an entry in ClinVar:

ClinVar aggregate classification (germline): Uncertain significance. Review status: criteria provided, multiple submitters, no conflicts (2 of 4 stars). 2 submissions from 2 submitters: Uncertain significance (2). Last evaluated 2025-06-23.

Conditions:
Hereditary cancer-predisposing syndrome. Also called: Neoplastic Syndromes, Hereditary; Hereditary Cancer Syndrome; Tumor predisposition; Hereditary neoplastic syndrome. Identifiers: Orphanet 140162, MedGen C0027672, MeSH D009386, MONDO:0015356.
Familial adenomatous polyposis 1 (FAP1). Also called: FAMILIAL ADENOMATOUS POLYPOSIS 1, ATTENUATED; POLYPOSIS, ADENOMATOUS INTESTINAL. Identifiers: MedGen C2713442, MONDO:0021056, OMIM 175100. Disease mechanism: loss of function.

Allele frequency attached by ClinVar (database versions not stated): TOPMed 0.00001.

Submissions (2):

Labcorp Genetics (formerly Invitae), Labcorp
Classification: Uncertain significance for Familial adenomatous polyposis 1. Last evaluated: 2025-06-23. Review status: criteria provided, single submitter. Criteria: Invitae Variant Classification Sherloc (09022015). Collection method: clinical testing. Allele origin: germline.
Comment: This sequence change replaces threonine, which is neutral and polar, with serine, which is neutral and polar, at codon 2598 of the APC protein (p.Thr2598Ser). This variant is not present in population databases (gnomAD no frequency). This variant has not been reported in the literature in individuals affected with APC-related conditions. ClinVar contains an entry for this variant (Variation ID: 1039177). Invitae Evidence Modeling of protein sequence and biophysical properties (such as structural, functional, and spatial information, amino acid conservation, physicochemical variation, residue mobility, and thermodynamic stability) indicates that this missense variant is not expected to disrupt APC protein function with a negative predictive value of 95%. In summary, the available evidence is currently insufficient to determine the role of this variant in disease. Therefore, it has been classified as a Variant of Uncertain Significance.

Ambry Genetics
Classification: Uncertain significance for Hereditary cancer-predisposing syndrome. Last evaluated: 2023-12-24. Review status: criteria provided, single submitter. Criteria: Ambry Variant Classification Scheme 2023. Collection method: clinical testing. Allele origin: germline.
Comment: The p.T2598S variant (also known as c.7793C>G), located in coding exon 15 of the APC gene, results from a C to G substitution at nucleotide position 7793. The threonine at codon 2598 is replaced by serine, an amino acid with similar properties. This amino acid position is conserved. In addition, in silico predictors for this gene do not accurately predict pathogenicity. Since supporting evidence is limited at this time, the clinical significance of this alteration remains unclear.

NM_000038.6(APC):c.7793C>G (p.Thr2598Ser)

Gene: APC (APC regulator of Wnt signaling pathway; plus strand). Cytogenetic location: 5q22.2.
Variant type: single nucleotide variant.
Coding change: c.7793C>G on transcript NM_000038.6 (MANE Select); coding-DNA position 7793, C replaced by G.
Protein change: p.Thr2598Ser; replaces threonine 2598 with serine.
Molecular consequence: missense variant.
Genome position (GRCh38, 1-based): chr5:112,843,387, C>G. VCF-style: chr5-112843387-C-G. GRCh37 (hg19) VCF-style: chr5-112179084-C-G.
Other names: c.7793C>G (NM_000038.5); c.7793C>G, p.Thr2598Ser (NM_001127510.3, NM_001354895.2); c.7739C>G, p.Thr2580Ser (NM_001127511.3); c.7847C>G, p.Thr2616Ser (NM_001354896.2); c.7823C>G, p.Thr2608Ser (NM_001354897.2); c.7718C>G, p.Thr2573Ser (NM_001354898.2); c.7709C>G, p.Thr2570Ser (NM_001354899.2); c.7670C>G, p.Thr2557Ser (NM_001354900.2); and 6 more; short protein forms T2438S, T2497S, T2507S, T2539S, T2616S, T2315S, T2557S, T2573S.
Identifiers: ClinVar variation 1039177 (VCV001039177.11), dbSNP rs747339588, ClinGen allele CA16038257.